The following is an entry in ClinVar:

NM_018180.3(DHX32):c.386G>A (p.Arg129Gln)

Gene: DHX32 (DEAH-box helicase 32 (putative); minus strand). Cytogenetic location: 10q26.2.
Variant type: single nucleotide variant.
Coding change: c.386G>A on transcript NM_018180.3 (MANE Select); coding-DNA position 386, G replaced by A.
Protein change: p.Arg129Gln; replaces arginine 129 with glutamine.
Molecular consequence: missense variant.
Genome position (GRCh38, 1-based): chr10:125,867,080, C>T on the plus strand (G>A on the coding strand, the complement: DHX32 is on the minus strand). VCF-style: chr10-125867080-C-T. GRCh37 (hg19) VCF-style: chr10-127555649-C-T.
Other names: c.386G>A (NM_018180.2); short protein forms R129Q.
Identifiers: ClinVar variation 2893473 (VCV002893473.4), dbSNP rs190960315, ClinGen allele CA5739468.

ClinVar aggregate classification (germline): Uncertain significance. Review status: criteria provided, multiple submitters, no conflicts (2 of 4 stars). 2 submissions from 2 submitters: Uncertain significance (2). Last evaluated 2025-12-15.

Allele frequency attached by ClinVar (database versions not stated): ExAC 0.00001; gnomAD exomes 0.00001; gnomAD 0.00003; TOPMed 0.00003; 1000 Genomes Project 0.00040; 1000 Genomes Project 30x 0.00047.

Submissions (2):

Ambry Genetics
Classification: Uncertain significance. Last evaluated: 2025-12-15. Review status: criteria provided, single submitter. Criteria: Ambry Variant Classification Scheme 2023. Collection method: clinical testing. Allele origin: germline.

Labcorp Genetics (formerly Invitae), Labcorp
Classification: Uncertain significance. Last evaluated: 2022-11-10. Review status: criteria provided, single submitter. Criteria: Invitae Variant Classification Sherloc (09022015). Collection method: clinical testing. Allele origin: germline.
Comment: This sequence change replaces arginine, which is basic and polar, with glutamine, which is neutral and polar, at codon 129 of the DHX32 protein (p.Arg129Gln). This variant is present in population databases (rs190960315, gnomAD 0.007%). This variant has not been reported in the literature in individuals affected with DHX32-related conditions. Algorithms developed to predict the effect of missense changes on protein structure and function (SIFT, PolyPhen-2, Align-GVGD) all suggest that this variant is likely to be disruptive. In summary, the available evidence is currently insufficient to determine the role of this variant in disease. Therefore, it has been classified as a Variant of Uncertain Significance.